The following is an entry in ClinVar:

ClinVar aggregate classification (germline): Conflicting classifications of pathogenicity. Review status: criteria provided, conflicting classifications (1 of 4 stars). 3 submissions from 3 submitters: Likely pathogenic (2); Uncertain significance (1). Last evaluated 2025-10-20.

Conditions:
Achondrogenesis type II (ACG2). Also called: ACHONDROGENESIS, LANGER-SALDINO TYPE; CHONDROGENESIS IMPERFECTA. Identifiers: Orphanet 932, Orphanet 93296, MedGen C0220685, MONDO:0008702, OMIM 200610.
Spondyloperipheral dysplasia. Also called: SPONDYLOPERIPHERAL DYSPLASIA WITH SHORT ULNA; Spondyloperipheral dysplasia-short ulna syndrome. Identifiers: Orphanet 1856, MedGen C0796173, MONDO:0010078, OMIM 271700.

Submissions (3):

Department of Molecular Genetics, Istishari Arab Hospital
Classification: Likely pathogenic for Achondrogenesis type II. Last evaluated: 2025-10-20. Review status: criteria provided, single submitter. Criteria: ACMG Guidelines, 2015. Collection method: clinical testing. Allele origin: germline. Inheritance: Autosomal dominant inheritance. Affected: yes.
Comment: The COL2A1 variant c.3137C>T, p.Pro1046Leu creates an amino acid change form Pro to Leu at position 1046. To the best of our knowledge, this variant was not previously reported in the literature and is not observed in the in the gnomAD v4.1.0 dataset. A different amino acid change in the same codon has been previously reported to be associated with COL2A1-related disorder (PMID: 34008892). This variant is classified as likely pathogenic (Class 2) based on the recommendations of of ACMG/AMP/ClinGen SVI guidelines

3billion
Classification: Likely pathogenic for Spondyloperipheral dysplasia. Last evaluated: 2025-02-20. Review status: criteria provided, single submitter. Criteria: ACMG Guidelines, 2015. Collection method: clinical testing. Allele origin: germline. Affected: yes.
Comment: The variant is not observed in the gnomAD v4.1.0 dataset. Predicted Consequence/Location: The variant is located in a mutational hot spot and/or well-established functional domain in which established pathogenic variants have been reported (PMID: 26626311). In silico tool predictions suggest damaging effect of the variant on gene or gene product [REVEL: 0.79 (>=0.6, sensitivity 0.68 and specificity 0.92)]. A different missense change at the same codon (p.Pro1046Ser) has been reported to be associated with COL2A1-related disorder (ClinVar ID: VCV000637048 /PMID: 34008892). Therefore, this variant is classified as Likely pathogenic according to the recommendation of ACMG/AMP guideline.

Labcorp Genetics (formerly Invitae), Labcorp
Classification: Uncertain significance. Last evaluated: 2022-04-04. Review status: criteria provided, single submitter. Criteria: Invitae Variant Classification Sherloc (09022015). Collection method: clinical testing. Allele origin: germline.
Comment: This sequence change replaces proline, which is neutral and non-polar, with leucine, which is neutral and non-polar, at codon 1046 of the COL2A1 protein (p.Pro1046Leu). This variant is not present in population databases (gnomAD no frequency). This variant has not been reported in the literature in individuals affected with COL2A1-related conditions. Algorithms developed to predict the effect of missense changes on protein structure and function are either unavailable or do not agree on the potential impact of this missense change (SIFT: "Deleterious"; PolyPhen-2: "Not Available"; Align-GVGD: "Class C65"). In summary, the available evidence is currently insufficient to determine the role of this variant in disease. Therefore, it has been classified as a Variant of Uncertain Significance.

Literature cited by the submitters: PubMed 34008892 (cited by Department of Molecular Genetics, Istishari Arab Hospital and 3billion).

NM_001844.5(COL2A1):c.3137C>T (p.Pro1046Leu)

Gene: COL2A1 (collagen type II alpha 1 chain; minus strand). Cytogenetic location: 12q13.11.
Variant type: single nucleotide variant.
Coding change: c.3137C>T on transcript NM_001844.5 (MANE Select); coding-DNA position 3137, C replaced by T.
Protein change: p.Pro1046Leu; replaces proline 1046 with leucine.
Molecular consequence: missense variant.
Genome position (GRCh38, 1-based): chr12:47,977,628, G>A on the plus strand (C>T on the coding strand, the complement: COL2A1 is on the minus strand). VCF-style: chr12-47977628-G-A. GRCh37 (hg19) VCF-style: chr12-48371411-G-A.
Other names: p.Pro1046Leu; c.2930C>T, p.Pro977Leu (NM_033150.3); short protein forms P1046L, P977L.
Identifiers: ClinVar variation 2121330 (VCV002121330.5), dbSNP rs763772608, ClinGen allele CA384540548.